The following is an entry in ClinVar:

ClinVar aggregate classification (germline): Uncertain significance (1 of 4 stars; one submission).

Submission:

Labcorp Genetics (formerly Invitae), Labcorp
Classification: Uncertain significance. Last evaluated: 2025-06-04. Review status: criteria provided, single submitter. Criteria: Invitae Variant Classification Sherloc (09022015). Collection method: clinical testing. Allele origin: germline.
Comment: This sequence change replaces leucine, which is neutral and non-polar, with histidine, which is basic and polar, at codon 470 of the PRDM13 protein (p.Leu470His). This variant is not present in population databases (gnomAD no frequency). This variant has not been reported in the literature in individuals affected with PRDM13-related conditions. An algorithm developed to predict the effect of missense changes on protein structure and function (PolyPhen-2) suggests that this variant is likely to be disruptive. In summary, the available evidence is currently insufficient to determine the role of this variant in disease. Therefore, it has been classified as a Variant of Uncertain Significance.

NM_021620.4(PRDM13):c.1409T>A (p.Leu470His)

Gene: PRDM13 (PR/SET domain 13; plus strand). Cytogenetic location: 6q16.2.
Variant type: single nucleotide variant.
Coding change: c.1409T>A on transcript NM_021620.4 (MANE Select); coding-DNA position 1409, T replaced by A.
Protein change: p.Leu470His; replaces leucine 470 with histidine.
Molecular consequence: missense variant.
Genome position (GRCh38, 1-based): chr6:99,614,044, T>A. VCF-style: chr6-99614044-T-A. GRCh37 (hg19) VCF-style: chr6-100061920-T-A.
Other names: short protein forms L470H.
Identifiers: ClinVar variation 4720303 (VCV004720303.1).